The following is an entry in ClinVar:

ClinVar aggregate classification (germline): Uncertain significance (1 of 4 stars; one submission).

Submission:

GeneDx
Classification: Uncertain significance. Last evaluated: 2019-12-06. Review status: criteria provided, single submitter. Criteria: GeneDx Variant Classification Process June 2021. Collection method: clinical testing. Allele origin: germline. Affected: yes.
Comment: Not observed at a significant frequency in large population cohorts (Lek et al., 2016); In silico analysis, which includes protein predictors and evolutionary conservation, supports a deleterious effect; Has not been previously published as pathogenic or benign to our knowledge

NM_006015.6(ARID1A):c.1822T>C (p.Phe608Leu)

Gene: ARID1A (AT-rich interaction domain 1A; plus strand). Cytogenetic location: 1p36.11.
Variant type: single nucleotide variant.
Coding change: c.1822T>C on transcript NM_006015.6 (MANE Select); coding-DNA position 1822, T replaced by C.
Protein change: p.Phe608Leu; replaces phenylalanine 608 with leucine.
Molecular consequence: missense variant.
Genome position (GRCh38, 1-based): chr1:26,732,694, T>C. VCF-style: chr1-26732694-T-C. GRCh37 (hg19) VCF-style: chr1-27059185-T-C.
Other names: c.1822T>C, p.Phe608Leu (NM_139135.4); short protein forms F608L.
Identifiers: ClinVar variation 1311015 (VCV001311015.2), dbSNP rs2124792279, ClinGen allele CA339268921.